The following is an entry in ClinVar:

ClinVar aggregate classification (germline): Pathogenic (1 of 4 stars; one submission).

Conditions:
Inborn genetic diseases. Identifiers: MedGen C0950123, MeSH D030342.

Submission:

Ambry Genetics
Classification: Pathogenic for Inborn genetic diseases. Last evaluated: 2016-11-09. Review status: criteria provided, single submitter. Criteria: Ambry Variant Classification Scheme 2023. Collection method: clinical testing. Allele origin: germline.
Comment: The c.917_921delACTCA pathogenic mutation, located in coding exon 1 of the CHD7 gene, results from a deletion of 5 nucleotides at nucleotide positions 917 to 921, causing a translational frameshift with a predicted alternate stop codon (p.N306RFS*10). This alteration is expected to result in loss of function by premature protein truncation or nonsense-mediated mRNA decay. As such, this alteration is interpreted as a disease-causing mutation.

NM_017780.4(CHD7):c.917_921del (p.Asn306fs)

Gene: CHD7 (chromodomain helicase DNA binding protein 7; plus strand). Cytogenetic location: 8q12.2.
Variant type: Deletion.
Coding change: c.917_921del on transcript NM_017780.4 (MANE Select); coding-DNA positions 917 to 921, 5 bases deleted (ACTCA; older notation c.917_921delACTCA).
Protein change: p.Asn306fs; shifts the reading frame from asparagine 306.
Molecular consequence: frameshift variant.
Genome position (GRCh38, 1-based): chr8:60,742,349-60,742,353, ACTCA deleted; deleting any 5 consecutive bases within chr8:60,742,347-60,742,353 gives the same sequence; the c. name uses the placement nearest the transcript's 3' end. VCF-style (leftmost placement, unchanged base first): chr8-60742346-ACAACT-A. GRCh37 (hg19) VCF-style: chr8-61654905-ACAACT-A.
Other names: c.917_921del, p.Asn306fs (NM_001316690.1); short protein forms N306fs.
Identifiers: ClinVar variation 589448 (VCV000589448.5), dbSNP rs1563560966, ClinGen allele CA891843123.